The following is an entry in ClinVar:

NM_178857.6(RP1L1):c.2982T>C (p.Pro994=)

Gene: RP1L1 (RP1 like 1). Cytogenetic location: 8p23.1.
Variant type: single nucleotide variant.
Coding change: c.2982T>C on transcript NM_178857.6 (MANE Select); coding-DNA position 2982, T replaced by C.
Protein change: p.Pro994=; no amino-acid change (proline 994 retained).
Molecular consequence: synonymous variant.
Genome position (GRCh38, 1-based): chr8:10,611,116, A>G on the plus strand (T>C on the coding strand, the complement: RP1L1 is on the minus strand). VCF-style: chr8-10611116-A-G. GRCh37 (hg19) VCF-style: chr8-10468626-A-G.
Other names: c.2982T>C (NM_178857.5).
Identifiers: ClinVar variation 4899234 (VCV004899234.2).

ClinVar aggregate classification (germline): Likely benign. Review status: criteria provided, multiple submitters, no conflicts (2 of 4 stars). 2 submissions from 2 submitters: Likely benign (2). Last evaluated 2025-03-19.

Conditions:
RP1L1-related disorder. Also called: RP1L1-related condition.

gnomAD v4.1: 21 of 1,612,716 alleles (0.0013%); highest among the groups gnomAD compares: African/African-American, 0.024%; no homozygotes.

Submissions (2):

PreventionGenetics, part of Exact Sciences
Classification: Likely benign for RP1L1-related condition. Last evaluated: 2025-03-19. Review status: criteria provided, single submitter. Criteria: ACMG Guidelines, 2015. Collection method: clinical testing. Allele origin: germline.
Comment: This variant is classified as likely benign based on ACMG/AMP sequence variant interpretation guidelines (Richards et al. 2015 PMID: 25741868, with internal and published modifications).

Blueprint Genetics
Classification: Likely benign. Last evaluated: 2022-09-09. Review status: criteria provided, single submitter. Criteria: ACMG Guidelines, 2015. Collection method: clinical testing. Allele origin: germline.